The following is an entry in ClinVar:

NM_001854.4(COL11A1):c.500T>A (p.Val167Glu)

Gene: COL11A1 (collagen type XI alpha 1 chain; minus strand). Cytogenetic location: 1p21.1.
Variant type: single nucleotide variant.
Coding change: c.500T>A on transcript NM_001854.4 (MANE Select); coding-DNA position 500, T replaced by A.
Protein change: p.Val167Glu; replaces valine 167 with glutamic acid.
Molecular consequence: missense variant. On other transcripts: non-coding transcript variant (1).
Genome position (GRCh38, 1-based): chr1:103,074,769, A>T on the plus strand (T>A on the coding strand, the complement: COL11A1 is on the minus strand). VCF-style: chr1-103074769-A-T. GRCh37 (hg19) VCF-style: chr1-103540325-A-T.
Other names: c.500T>A, p.Val167Glu (NM_001190709.2, NM_080629.3, NM_080630.4); short protein forms V167E.
Identifiers: ClinVar variation 3772067 (VCV003772067.13).

ClinVar aggregate classification (germline): Uncertain significance (1 of 4 stars; one submission).

Submission:

CeGaT Center for Human Genetics Tuebingen
Classification: Uncertain significance. Last evaluated: 2024-12-01. Review status: criteria provided, single submitter. Criteria: CeGaT Center For Human Genetics Tuebingen Variant Classification Criteria Version 2. Collection method: clinical testing. Allele origin: germline. Affected: yes. Observed: 1 variant allele.
Comment: COL11A1: PM2